The following is an entry in ClinVar:

ClinVar aggregate classification (germline): Uncertain significance (1 of 4 stars; one submission).

Conditions:
Cardiovascular phenotype. Identifiers: MedGen CN230736.

Submission:

Ambry Genetics
Classification: Uncertain significance for Cardiovascular phenotype. Last evaluated: 2022-07-11. Review status: criteria provided, single submitter. Criteria: Ambry Variant Classification Scheme 2023. Collection method: clinical testing. Allele origin: germline.
Comment: The p.A1338V variant (also known as c.4013C>T), located in coding exon 27 of the MYH6 gene, results from a C to T substitution at nucleotide position 4013. The alanine at codon 1338 is replaced by valine, an amino acid with similar properties. This amino acid position is conserved. In addition, the in silico prediction for this alteration is inconclusive. Since supporting evidence is limited at this time, the clinical significance of this alteration remains unclear.

NM_002471.4(MYH6):c.4013C>T (p.Ala1338Val)

Gene: MYH6 (myosin heavy chain 6; minus strand). Cytogenetic location: 14q11.2.
Variant type: single nucleotide variant.
Coding change: c.4013C>T on transcript NM_002471.4 (MANE Select); coding-DNA position 4013, C replaced by T.
Protein change: p.Ala1338Val; replaces alanine 1338 with valine.
Molecular consequence: missense variant.
Genome position (GRCh38, 1-based): chr14:23,389,021, G>A on the plus strand (C>T on the coding strand, the complement: MYH6 is on the minus strand). VCF-style: chr14-23389021-G-A. GRCh37 (hg19) VCF-style: chr14-23858230-G-A.
Other names: short protein forms A1338V.
Identifiers: ClinVar variation 1737039 (VCV001737039.2), dbSNP rs1335874496, ClinGen allele CA389002223.